The following is an entry in ClinVar:

NM_001024630.4(RUNX2):c.1172G>A (p.Arg391Gln)

Gene: RUNX2 (RUNX family transcription factor 2; plus strand). Cytogenetic location: 6p21.1.
Variant type: single nucleotide variant.
Coding change: c.1172G>A on transcript NM_001024630.4 (MANE Select); coding-DNA position 1172, G replaced by A.
Protein change: p.Arg391Gln; replaces arginine 391 with glutamine.
Molecular consequence: missense variant.
Genome position (GRCh38, 1-based): chr6:45,546,911, G>A. VCF-style: chr6-45546911-G-A. GRCh37 (hg19) VCF-style: chr6-45514648-G-A.
Other names: c.1106G>A, p.Arg369Gln (NM_001015051.4); c.1064G>A, p.Arg355Gln (NM_001278478.2); c.1130G>A, p.Arg377Gln (NM_001369405.1); short protein forms R355Q, R369Q, R377Q, R391Q.
Identifiers: ClinVar variation 1312883 (VCV001312883.2), dbSNP rs780524636, ClinGen allele CA3836587.
Genomic context (GRCh38, chr6:45,546,911, plus strand): 5'-CAGACCCCAGGCAGTTCCCAAGCATTTCATCCCTCACTGAGAGCCGCTTCTCCAACCCAC[G>A]AATGCACTATCCAGCCACCTTTACTTACACCCCGCCAGTCACCTCAGGCATGTCCCTCGG-3'
Protein context (NP_001019801.3, residues 381-401): SLTESRFSNP[Arg391Gln]MHYPATFTYT

ClinVar aggregate classification (germline): Uncertain significance (1 of 4 stars; one submission).

Allele frequency attached by ClinVar (database versions not stated): gnomAD exomes below 0.00001; ExAC 0.00001; gnomAD 0.00002.
gnomAD v4.1: 6 of 1,613,658 alleles (0.00037%); highest among the groups gnomAD compares: Non-Finnish European, 0.00017%; no homozygotes.

Submission:

GeneDx
Classification: Uncertain significance. Last evaluated: 2020-06-30. Review status: criteria provided, single submitter. Criteria: GeneDx Variant Classification Process June 2021. Collection method: clinical testing. Allele origin: germline. Affected: yes.
Comment: Has not been previously published as pathogenic or benign to our knowledge; Not observed at a significant frequency in large population cohorts (Lek et al., 2016); In silico analysis supports that this missense variant has a deleterious effect on protein structure/function